The following is an entry in ClinVar:

ClinVar aggregate classification (germline): Uncertain significance (1 of 4 stars; one submission).

Conditions:
Intellectual developmental disorder, autosomal dominant 1. Also called: MBD5 Haploinsufficiency; Intellectual disability, autosomal dominant 1. Identifiers: Orphanet 228402, MedGen C1969562, MONDO:0007974, OMIM 156200.

Submission:

Labcorp Genetics (formerly Invitae), Labcorp
Classification: Uncertain significance for Intellectual developmental disorder, autosomal dominant 1. Last evaluated: 2024-02-28. Review status: criteria provided, single submitter. Criteria: Invitae Variant Classification Sherloc (09022015). Collection method: clinical testing. Allele origin: germline.
Comment: This sequence change replaces serine, which is neutral and polar, with asparagine, which is neutral and polar, at codon 507 of the MBD5 protein (p.Ser507Asn). This variant is not present in population databases (gnomAD no frequency). This variant has not been reported in the literature in individuals affected with MBD5-related conditions. ClinVar contains an entry for this variant (Variation ID: 1972322). Advanced modeling of protein sequence and biophysical properties (such as structural, functional, and spatial information, amino acid conservation, physicochemical variation, residue mobility, and thermodynamic stability) has been performed at Invitae for this missense variant, however the output from this modeling did not meet the statistical confidence thresholds required to predict the impact of this variant on MBD5 protein function. In summary, the available evidence is currently insufficient to determine the role of this variant in disease. Therefore, it has been classified as a Variant of Uncertain Significance.

NM_001378120.1(MBD5):c.1520G>A (p.Ser507Asn)

Gene: MBD5 (methyl-CpG binding domain protein 5; plus strand). Cytogenetic location: 2q23.1.
Variant type: single nucleotide variant.
Coding change: c.1520G>A on transcript NM_001378120.1 (MANE Select); coding-DNA position 1520, G replaced by A.
Protein change: p.Ser507Asn; replaces serine 507 with asparagine.
Molecular consequence: missense variant.
Genome position (GRCh38, 1-based): chr2:148,469,463, G>A. VCF-style: chr2-148469463-G-A. GRCh37 (hg19) VCF-style: chr2-149227032-G-A.
Other names: c.1520G>A, p.Ser507Asn (NM_018328.5); short protein forms S507N.
Identifiers: ClinVar variation 1972322 (VCV001972322.5), dbSNP rs2469866087, ClinGen allele CA348719859.